The following is an entry in ClinVar:

ClinVar aggregate classification (germline): Benign/Likely benign. Review status: criteria provided, multiple submitters, no conflicts (2 of 4 stars). 3 submissions from 3 submitters: Benign (1); Likely benign (2). Last evaluated 2026-01-14.

Conditions:
Creatine transporter deficiency (CCDS1). Also called: CEREBRAL CREATINE DEFICIENCY SYNDROME 1; Mental retardation , X-linked with seizures, short stature and midface hypoplasia; Mental retardation , X-linked, with creatine transport deficiency; X-linked creatine transporter deficiency; X-linked creatine deficiency syndrome; SLC6A8-Related Creatine Transporter Deficiency. Identifiers: Orphanet 52503, MedGen C1845862, MONDO:0010305, OMIM 300352.

Allele frequency attached by ClinVar (database versions not stated): gnomAD exomes 0.00001 and 0.00003; ExAC 0.00006; gnomAD 0.00008; ESP Exome Variant Server 0.00009; TOPMed 0.00013; 1000 Genomes Project 0.00053; 1000 Genomes Project 30x 0.00062.
gnomAD v4.1: 16 of 1,206,235 alleles (0.0013%); highest among the groups gnomAD compares: African/African-American, 0.025%; no homozygotes.

Submissions (3):

Labcorp Genetics (formerly Invitae), Labcorp
Classification: Benign for Creatine transporter deficiency. Last evaluated: 2026-01-14. Review status: criteria provided, single submitter. Criteria: Invitae Variant Classification Sherloc (09022015). Collection method: clinical testing. Allele origin: germline.

CeGaT Center for Human Genetics Tuebingen
Classification: Likely benign. Last evaluated: 2022-03-01. Review status: criteria provided, single submitter. Criteria: CeGaT Center For Human Genetics Tuebingen Variant Classification Criteria Version 2. Collection method: clinical testing. Allele origin: germline. Affected: yes. Observed: 1 variant allele.
Comment: SLC6A8: BP4, BP7

GeneDx
Classification: Likely benign. Last evaluated: 2020-09-29. Review status: criteria provided, single submitter. Criteria: GeneDx Variant Classification Process June 2021. Collection method: clinical testing. Allele origin: germline. Affected: yes.

NM_005629.4(SLC6A8):c.1497A>G (p.Gly499=)

Gene: SLC6A8 (solute carrier family 6 member 8; plus strand). Cytogenetic location: Xq28.
Variant type: single nucleotide variant.
Coding change: c.1497A>G on transcript NM_005629.4 (MANE Select); coding-DNA position 1497, A replaced by G.
Protein change: p.Gly499=; no amino-acid change (glycine 499 retained).
Molecular consequence: synonymous variant.
Genome position (GRCh38, 1-based): chrX:153,694,534, A>G. VCF-style: chrX-153694534-A-G. GRCh37 (hg19) VCF-style: chrX-152959989-A-G.
Other names: c.1467A>G, p.Gly489= (NM_001142805.2); c.1152A>G, p.Gly384= (NM_001142806.1).
Identifiers: ClinVar variation 508191 (VCV000508191.35), dbSNP rs199640501, ClinGen allele CA10549550.